The following is an entry in ClinVar:

ClinVar aggregate classification (germline): Uncertain significance (1 of 4 stars; one submission).

gnomAD v4.1: 2 of 1,614,134 alleles (0.00012%); highest among the groups gnomAD compares: Non-Finnish European, 0.00017%; no homozygotes.

Submission:

Labcorp Genetics (formerly Invitae), Labcorp
Classification: Uncertain significance. Last evaluated: 2025-03-17. Review status: criteria provided, single submitter. Criteria: Invitae Variant Classification Sherloc (09022015). Collection method: clinical testing. Allele origin: germline.
Comment: This sequence change replaces proline, which is neutral and non-polar, with serine, which is neutral and polar, at codon 444 of the P3H2 protein (p.Pro444Ser). This variant is not present in population databases (gnomAD no frequency). This variant has not been reported in the literature in individuals affected with P3H2-related conditions. ClinVar contains an entry for this variant (Variation ID: 862310). Invitae Evidence Modeling of protein sequence and biophysical properties (such as structural, functional, and spatial information, amino acid conservation, physicochemical variation, residue mobility, and thermodynamic stability) indicates that this missense variant is not expected to disrupt P3H2 protein function with a negative predictive value of 80%. In summary, the available evidence is currently insufficient to determine the role of this variant in disease. Therefore, it has been classified as a Variant of Uncertain Significance.

NM_018192.4(P3H2):c.1330C>T (p.Pro444Ser)

Gene: P3H2 (prolyl 3-hydroxylase 2; minus strand). Cytogenetic location: 3q28.
Variant type: single nucleotide variant.
Coding change: c.1330C>T on transcript NM_018192.4 (MANE Select); coding-DNA position 1330, C replaced by T.
Protein change: p.Pro444Ser; replaces proline 444 with serine.
Molecular consequence: missense variant.
Genome position (GRCh38, 1-based): chr3:189,974,680, G>A on the plus strand (C>T on the coding strand, the complement: P3H2 is on the minus strand). VCF-style: chr3-189974680-G-A. GRCh37 (hg19) VCF-style: chr3-189692469-G-A.
Other names: c.787C>T, p.Pro263Ser (NM_001134418.2); short protein forms P444S, P263S.
Identifiers: ClinVar variation 862310 (VCV000862310.6), dbSNP rs151035620, ClinGen allele CA355754373.